The following is an entry in ClinVar:

ClinVar aggregate classification (germline): Benign (1 of 4 stars; one submission).

Submission:

Unidad de Genómica Garrahan, Hospital de Pediatría Garrahan
Classification: Benign. Last evaluated: 2024-01-24. Review status: criteria provided, single submitter. Criteria: ACMG Guidelines, 2015. Collection method: clinical testing. Allele origin: germline. Affected: no. Observed: 25 variant alleles.
Comment: This variant is classified as Benign based on local population frequency. This variant was detected in 26% of patients studied by a panel of primary immunodeficiencies. Number of patients: 25. Only high quality variants are reported.

NM_138713.4(NFAT5):c.1505-16_1505-15insGA

Gene: NFAT5 (nuclear factor of activated T cells 5; plus strand). Cytogenetic location: 16q22.1.
Variant type: Insertion.
Coding change: c.1505-16_1505-15insGA on transcript NM_138713.4 (MANE Select); 16 bases into the intron before coding-DNA position 1505 through 15 bases into the intron before coding-DNA position 1505, GA inserted.
Molecular consequence: intron variant.
Genome position: GRCh38 VCF-style: chr16-69670220-T-TGA. GRCh37 (hg19) VCF-style: chr16-69704123-T-TGA.
Other names: c.1223-16_1223-15insGA (NM_138714.4, NM_173214.3, NM_173215.3); c.1505-16_1505-15insGA (NM_001113178.3); c.1451-16_1451-15insGA (NM_006599.4); c.833-16_833-15insGA (NM_001367709.1).
Identifiers: ClinVar variation 2688282 (VCV002688282.2), dbSNP rs1555530931, ClinGen allele CA2697555921.